The following is an entry in ClinVar:

NM_005826.5(HNRNPR):c.470C>T (p.Ser157Phe)

Gene: HNRNPR (heterogeneous nuclear ribonucleoprotein R; minus strand). Cytogenetic location: 1p36.12.
Variant type: single nucleotide variant.
Coding change: c.470C>T on transcript NM_005826.5 (MANE Select); coding-DNA position 470, C replaced by T.
Protein change: p.Ser157Phe; replaces serine 157 with phenylalanine.
Molecular consequence: missense variant. On other transcripts: intron variant (2).
Genome position (GRCh38, 1-based): chr1:23,333,546, G>A on the plus strand (C>T on the coding strand, the complement: HNRNPR is on the minus strand). VCF-style: chr1-23333546-G-A. GRCh37 (hg19) VCF-style: chr1-23660039-G-A.
Other names: c.167C>T, p.Ser56Phe (NM_001102397.3, NM_001102399.3, NM_001297621.2); c.470C>T, p.Ser157Phe (NM_001102398.3); c.81+4208C>T (NM_001297622.2); c.384+4208C>T (NM_001297620.2); short protein forms S157F, S56F.
Identifiers: ClinVar variation 3906626 (VCV003906626.1).

ClinVar aggregate classification (germline): Uncertain significance (1 of 4 stars; one submission).

Submission:

GeneDx
Classification: Uncertain significance. Last evaluated: 2024-12-12. Review status: criteria provided, single submitter. Criteria: GeneDx Variant Classification Process June 2021. Collection method: clinical testing. Allele origin: germline. Affected: yes.
Comment: Not observed at significant frequency in large population cohorts (gnomAD); In silico analysis supports that this missense variant has a deleterious effect on protein structure/function; Has not been previously published as pathogenic or benign to our knowledge